The following is an entry in ClinVar:

ClinVar aggregate classification (germline): Uncertain significance (1 of 4 stars; one submission).

gnomAD v4.1: 13 of 1,613,506 alleles (0.00081%); highest among the groups gnomAD compares: Admixed American, 0.0017%; no homozygotes.

Submission:

Athena Diagnostics
Classification: Uncertain significance. Last evaluated: 2024-05-31. Review status: criteria provided, single submitter. Criteria: Athena Diagnostics Criteria. Collection method: clinical testing. Allele origin: unknown.
Comment: Available data are insufficient to determine the clinical significance of the variant at this time. The frequency of this variant in the general population is uninformative in assessment of its pathogenicity. Polyphen and MutationTaster predict this amino acid change may be damaging to the protein. Greater than 90% of NOTCH3 pathogenic variants associated with CADASIL involve the gain or loss of a cysteine residue within the epidermal growth factor (EGF)-like repeat domain (PMID: 32457593, 20301673).

NM_000435.3(NOTCH3):c.995G>A (p.Arg332His)

Gene: NOTCH3 (notch receptor 3; minus strand). Cytogenetic location: 19p13.12.
Variant type: single nucleotide variant.
Coding change: c.995G>A on transcript NM_000435.3 (MANE Select); coding-DNA position 995, G replaced by A.
Protein change: p.Arg332His; replaces arginine 332 with histidine.
Molecular consequence: missense variant.
Genome position (GRCh38, 1-based): chr19:15,191,465, C>T on the plus strand (G>A on the coding strand, the complement: NOTCH3 is on the minus strand). VCF-style: chr19-15191465-C-T. GRCh37 (hg19) VCF-style: chr19-15302276-C-T.
Other names: short protein forms R332H.
Identifiers: ClinVar variation 3571817 (VCV003571817.1).